The following is an entry in ClinVar:

NM_181712.5(KANK4):c.1769A>G (p.Lys590Arg)

Gene: KANK4 (KN motif and ankyrin repeat domains 4; minus strand). Cytogenetic location: 1p31.3.
Variant type: single nucleotide variant.
Coding change: c.1769A>G on transcript NM_181712.5 (MANE Select); coding-DNA position 1769, A replaced by G.
Protein change: p.Lys590Arg; replaces lysine 590 with arginine.
Molecular consequence: missense variant. On other transcripts: intron variant (1).
Genome position (GRCh38, 1-based): chr1:62,273,335, T>C on the plus strand (A>G on the coding strand, the complement: KANK4 is on the minus strand). VCF-style: chr1-62273335-T-C. GRCh37 (hg19) VCF-style: chr1-62739007-T-C.
Other names: c.17-1746A>G (NM_001320269.2); short protein forms K590R.
Identifiers: ClinVar variation 1904759 (VCV001904759.5), dbSNP rs766361984, ClinGen allele CA884314.

ClinVar aggregate classification (germline): Uncertain significance (1 of 4 stars; one submission).

Allele frequency attached by ClinVar (database versions not stated): TOPMed 0.00002; ExAC 0.00003; gnomAD exomes 0.00003; gnomAD 0.00004.
gnomAD v4.1: 53 of 1,608,674 alleles (0.0033%); highest among the groups gnomAD compares: African/African-American, 0.0067%; no homozygotes.

Submission:

Labcorp Genetics (formerly Invitae), Labcorp
Classification: Uncertain significance. Last evaluated: 2025-10-04. Review status: criteria provided, single submitter. Criteria: Invitae Variant Classification Sherloc (09022015). Collection method: clinical testing. Allele origin: germline.
Comment: This sequence change replaces lysine, which is basic and polar, with arginine, which is basic and polar, at codon 590 of the KANK4 protein (p.Lys590Arg). This variant is present in population databases (rs766361984, gnomAD 0.006%). This variant has not been reported in the literature in individuals affected with KANK4-related conditions. ClinVar contains an entry for this variant (Variation ID: 1904759). An algorithm developed to predict the effect of missense changes on protein structure and function outputs the following: PolyPhen-2: "Benign". The arginine amino acid residue is found in multiple mammalian species, which suggests that this missense change does not adversely affect protein function. In summary, the available evidence is currently insufficient to determine the role of this variant in disease. Therefore, it has been classified as a Variant of Uncertain Significance.